The following is an entry in ClinVar:

NM_001003800.2(BICD2):c.372G>T (p.Glu124Asp)

Gene: BICD2 (BICD cargo adaptor 2; minus strand). Cytogenetic location: 9q22.31.
Variant type: single nucleotide variant.
Coding change: c.372G>T on transcript NM_001003800.2 (MANE Select); coding-DNA position 372, G replaced by T.
Protein change: p.Glu124Asp; replaces glutamic acid 124 with aspartic acid.
Molecular consequence: missense variant.
Genome position (GRCh38, 1-based): chr9:92,729,105, C>A on the plus strand (G>T on the coding strand, the complement: BICD2 is on the minus strand). VCF-style: chr9-92729105-C-A. GRCh37 (hg19) VCF-style: chr9-95491387-C-A.
Other names: c.372G>T, p.Glu124Asp (NM_015250.4); short protein forms E124D.
Identifiers: ClinVar variation 654487 (VCV000654487.11), dbSNP rs1490576971, ClinGen allele CA374027106.
Genomic context (GRCh38, chr9:92,729,105, plus strand): 5'-AGAGGCCAGGCGCTCATTCTCCGACTGCGTGTTGGTGAGGACATTGCGCAACTGCTTCAG[C>A]TCCGTCTGCAGCTCTAGCACCTTCCGCACGTAGTACTGCTCCTTGGAGGCCGACTCCTGG-3'
Protein context (NP_001003800.1, residues 114-134): YVRKVLELQT[Glu124Asp]LKQLRNVLTN

ClinVar aggregate classification (germline): Uncertain significance. Review status: criteria provided, multiple submitters, no conflicts (2 of 4 stars). 2 submissions from 2 submitters: Uncertain significance (2). Last evaluated 2023-12-16.

Conditions:
Inborn genetic diseases. Identifiers: MedGen C0950123, MeSH D030342.
Autosomal dominant childhood-onset proximal spinal muscular atrophy with contractures (SMALED2A). Also called: Spinal muscular atrophy, lower extremity-predominant, 2A, autosomal dominant; SPINAL MUSCULAR ATROPHY, LOWER EXTREMITY-PREDOMINANT, 2A, CHILDHOOD ONSET, AUTOSOMAL DOMINANT. Identifiers: Orphanet 363447, Orphanet 363454, MedGen C4747715, MONDO:0014121, OMIM 615290.

Allele frequency attached by ClinVar (database versions not stated): gnomAD exomes below 0.00001; TOPMed 0.00001; gnomAD 0.00002.
gnomAD v4.1: 4 of 1,614,134 alleles (0.00025%); highest among the groups gnomAD compares: Non-Finnish European, 0.00034%; no homozygotes.

Submissions (2):

Labcorp Genetics (formerly Invitae), Labcorp
Classification: Uncertain significance for Autosomal dominant childhood-onset proximal spinal muscular atrophy with contractures. Last evaluated: 2023-12-16. Review status: criteria provided, single submitter. Criteria: Invitae Variant Classification Sherloc (09022015). Collection method: clinical testing. Allele origin: germline.
Comment: This sequence change replaces glutamic acid, which is acidic and polar, with aspartic acid, which is acidic and polar, at codon 124 of the BICD2 protein (p.Glu124Asp). This variant is present in population databases (no rsID available, gnomAD 0.0009%). This variant has not been reported in the literature in individuals affected with BICD2-related conditions. ClinVar contains an entry for this variant (Variation ID: 654487). Advanced modeling of protein sequence and biophysical properties (such as structural, functional, and spatial information, amino acid conservation, physicochemical variation, residue mobility, and thermodynamic stability) performed at Invitae indicates that this missense variant is not expected to disrupt BICD2 protein function with a negative predictive value of 80%. In summary, the available evidence is currently insufficient to determine the role of this variant in disease. Therefore, it has been classified as a Variant of Uncertain Significance.

Ambry Genetics
Classification: Uncertain significance for Inborn genetic diseases. Last evaluated: 2019-11-05. Review status: criteria provided, single submitter. Criteria: Ambry Variant Classification Scheme 2023. Collection method: clinical testing. Allele origin: germline.
Comment: The p.E124D variant (also known as c.372G>T), located in coding exon 2 of the BICD2 gene, results from a G to T substitution at nucleotide position 372. The glutamic acid at codon 124 is replaced by aspartic acid, an amino acid with highly similar properties. This amino acid position is well conserved in available vertebrate species. In addition, this alteration is predicted to be tolerated by in silico analysis. Since supporting evidence is limited at this time, the clinical significance of this alteration remains unclear.